The following is an entry in ClinVar:

ClinVar aggregate classification (germline): Uncertain significance (1 of 4 stars; one submission).

Conditions:
Inborn genetic diseases. Identifiers: MedGen C0950123, MeSH D030342.

gnomAD v4.1: 2 of 1,614,168 alleles (0.00012%); highest among the groups gnomAD compares: East Asian, 0.0022%; no homozygotes.

Submission:

Ambry Genetics
Classification: Uncertain significance for Inborn genetic diseases. Last evaluated: 2025-09-20. Review status: criteria provided, single submitter. Criteria: Ambry Variant Classification Scheme 2023. Collection method: clinical testing. Allele origin: germline.
Comment: The p.C1704R variant (also known as c.5110T>C), located in coding exon 20 of the FANCM gene, results from a T to C substitution at nucleotide position 5110. The cysteine at codon 1704 is replaced by arginine, an amino acid with highly dissimilar properties. This amino acid position is conserved. In addition, this alteration is predicted to be tolerated by in silico analysis. Based on the available evidence, the clinical significance of this variant remains unclear.

NM_020937.4(FANCM):c.5110T>C (p.Cys1704Arg)

Gene: FANCM (FA complementation group M; plus strand). Cytogenetic location: 14q21.2.
Variant type: single nucleotide variant.
Coding change: c.5110T>C on transcript NM_020937.4 (MANE Select); coding-DNA position 5110, T replaced by C.
Protein change: p.Cys1704Arg; replaces cysteine 1704 with arginine.
Molecular consequence: missense variant.
Genome position (GRCh38, 1-based): chr14:45,189,132, T>C. VCF-style: chr14-45189132-T-C. GRCh37 (hg19) VCF-style: chr14-45658335-T-C.
Other names: c.5032T>C, p.Cys1678Arg (NM_001308133.2); short protein forms C1678R, C1704R.
Identifiers: ClinVar variation 4619443 (VCV004619443.1).